The following is an entry in ClinVar:

NM_001009999.3(KDM1A):c.917C>G (p.Ser306Cys)

Gene: KDM1A (lysine demethylase 1A; plus strand). Cytogenetic location: 1p36.12.
Variant type: single nucleotide variant.
Coding change: c.917C>G on transcript NM_001009999.3 (MANE Select); coding-DNA position 917, C replaced by G.
Protein change: p.Ser306Cys; replaces serine 306 with cysteine.
Molecular consequence: missense variant.
Genome position (GRCh38, 1-based): chr1:23,055,965, C>G. VCF-style: chr1-23055965-C-G. GRCh37 (hg19) VCF-style: chr1-23382458-C-G.
Other names: c.857C>G, p.Ser286Cys (NM_001363654.2, NM_001410763.1, NM_015013.4); c.917C>G, p.Ser306Cys (NM_001410762.1); short protein forms S306C, S286C.
Identifiers: ClinVar variation 3532946 (VCV003532946.1).

ClinVar aggregate classification (germline): Uncertain significance (1 of 4 stars; one submission).

Conditions:
Inborn genetic diseases. Identifiers: MedGen C0950123, MeSH D030342.

Submission:

Ambry Genetics
Classification: Uncertain significance for Inborn genetic diseases. Last evaluated: 2024-11-27. Review status: criteria provided, single submitter. Criteria: Ambry Variant Classification Scheme 2023. Collection method: clinical testing. Allele origin: germline.
Comment: The p.S306C variant (also known as c.917C>G), located in coding exon 7 of the KDM1A gene, results from a C to G substitution at nucleotide position 917. The serine at codon 306 is replaced by cysteine, an amino acid with dissimilar properties. This amino acid position is conserved. In addition, this alteration is predicted to be tolerated by in silico analysis. Based on the available evidence, the clinical significance of this variant remains unclear.